The following is an entry in ClinVar:

NM_001429.4(EP300):c.2498C>T (p.Ser833Leu)

Gene: EP300 (E1A binding protein p300; plus strand). Cytogenetic location: 22q13.2.
Variant type: single nucleotide variant.
Coding change: c.2498C>T on transcript NM_001429.4 (MANE Select); coding-DNA position 2498, C replaced by T.
Protein change: p.Ser833Leu; replaces serine 833 with leucine.
Molecular consequence: missense variant.
Genome position (GRCh38, 1-based): chr22:41,149,879, C>T. VCF-style: chr22-41149879-C-T. GRCh37 (hg19) VCF-style: chr22-41545883-C-T.
Other names: c.2420C>T, p.Ser807Leu (NM_001362843.2); short protein forms S807L, S833L.
Identifiers: ClinVar variation 1312882 (VCV001312882.4), dbSNP rs1803789601, ClinGen allele CA411691421.

ClinVar aggregate classification (germline): Uncertain significance. Review status: criteria provided, single submitter (1 of 4 stars). 2 submissions from 2 submitters: Uncertain significance (1). 1 of the submissions does not count toward it. Last evaluated 2021-03-08.

Conditions:
EP300-related disorder. Also called: EP300-related disorders; EP300-related condition.

Allele frequency attached by ClinVar (database versions not stated): gnomAD exomes 0.00001.
gnomAD v4.1: 13 of 1,614,124 alleles (0.00081%); highest among the groups gnomAD compares: Non-Finnish European, 0.0011%; no homozygotes.

Submissions (2):

GeneDx
Classification: Uncertain significance. Last evaluated: 2021-03-08. Review status: criteria provided, single submitter. Criteria: GeneDx Variant Classification Process June 2021. Collection method: clinical testing. Allele origin: germline. Affected: yes.
Comment: Not observed in large population cohorts (Lek et al., 2016); In silico analysis supports that this missense variant has a deleterious effect on protein structure/function; In silico analysis suggests this variant may impact gene splicing. In the absence of RNA/functional studies, the actual effect of this sequence change is unknown.; Has not been previously published as pathogenic or benign to our knowledge

PreventionGenetics, part of Exact Sciences
Classification: Uncertain significance for EP300-related condition. Last evaluated: 2023-10-19. Review status: no assertion criteria provided. Collection method: clinical testing. Allele origin: germline. Not counted in ClinVar's aggregate classification.
Comment: The EP300 c.2498C>T variant is predicted to result in the amino acid substitution p.Ser833Leu. To our knowledge, this variant has not been reported in the literature or in a large population database, indicating this variant is rare. At this time, the clinical significance of this variant is uncertain due to the absence of conclusive functional and genetic evidence.